The following is an entry in ClinVar:

NM_015898.4(ZBTB7A):c.1630G>C (p.Asp544His)

Gene: ZBTB7A (zinc finger and BTB domain containing 7A; minus strand). Cytogenetic location: 19p13.3.
Variant type: single nucleotide variant.
Coding change: c.1630G>C on transcript NM_015898.4 (MANE Select); coding-DNA position 1630, G replaced by C.
Protein change: p.Asp544His; replaces aspartic acid 544 with histidine.
Molecular consequence: missense variant.
Genome position (GRCh38, 1-based): chr19:4,047,877, C>G on the plus strand (G>C on the coding strand, the complement: ZBTB7A is on the minus strand). VCF-style: chr19-4047877-C-G. GRCh37 (hg19) VCF-style: chr19-4047875-C-G.
Other names: c.1630G>C, p.Asp544His (NM_001317990.2); short protein forms D544H.
Identifiers: ClinVar variation 5036956 (VCV005036956.1).

ClinVar aggregate classification (germline): Uncertain significance (1 of 4 stars; one submission).

Submission:

GeneDx
Classification: Uncertain significance. Last evaluated: 2026-04-23. Review status: criteria provided, single submitter. Criteria: GeneDx Variant Classification Process June 2021. Collection method: clinical testing. Allele origin: germline.
Comment: Not observed at significant frequency in large population cohorts (gnomAD); In silico analysis suggests that this missense variant does not alter protein structure/function; Has not been previously published as pathogenic or benign to our knowledge